The following is an entry in ClinVar:

ClinVar aggregate classification (germline): Likely pathogenic (1 of 4 stars; one submission).

Conditions:
Beckwith-Wiedemann syndrome (BWS). Also called: EMG SYNDROME; Exomphalos macroglossia gigantism syndrome. Identifiers: Orphanet 116, MedGen C0004903, MONDO:0007534, OMIM 130650.

Submission:

Labcorp Genetics (formerly Invitae), Labcorp
Classification: Likely pathogenic for Beckwith-Wiedemann syndrome. Last evaluated: 2017-07-31. Review status: criteria provided, single submitter. Criteria: Invitae Variant Classification Sherloc (09022015). Collection method: clinical testing. Allele origin: germline.
Comment: This sequence change replaces glutamine with proline at codon 2030 of the NSD1 protein (p.Gln2030Pro). The glutamine residue is highly conserved and there is a moderate physicochemical difference between glutamine and proline. This variant is not present in population databases (ExAC no frequency). This variant has not been reported in the literature in individuals with NSD1-related disease. Algorithms developed to predict the effect of missense changes on protein structure and function do not agree on the potential impact of this missense change (SIFT: "Deleterious"; PolyPhen-2: "Probably Damaging"; Align-GVGD: "Class C15"). In summary, the currently available evidence indicates that the variant is pathogenic, but additional data are needed to prove that conclusively. Therefore, this variant has been classified as Likely Pathogenic.

NM_022455.5(NSD1):c.6089A>C (p.Gln2030Pro)

Gene: NSD1 (nuclear receptor binding SET domain protein 1; plus strand). Cytogenetic location: 5q35.3.
Variant type: single nucleotide variant.
Coding change: c.6089A>C on transcript NM_022455.5 (MANE Select); coding-DNA position 6089, A replaced by C.
Protein change: p.Gln2030Pro; replaces glutamine 2030 with proline.
Molecular consequence: missense variant.
Genome position (GRCh38, 1-based): chr5:177,283,866, A>C. VCF-style: chr5-177283866-A-C. GRCh37 (hg19) VCF-style: chr5-176710867-A-C.
Other names: c.5216A>C, p.Gln1739Pro (NM_001365684.2, NM_001409308.1, NM_172349.5); c.6089A>C, p.Gln2030Pro (NM_001409301.1, NM_001409302.1, NM_001409303.1); c.5669A>C, p.Gln1890Pro (NM_001409304.1); c.5336A>C, p.Gln1779Pro (NM_001409305.1); c.5327A>C, p.Gln1776Pro (NM_001409306.1, NM_001409307.1); short protein forms Q2030P, Q1761P, Q1779P, Q1776P, Q1890P, Q1739P.
Identifiers: ClinVar variation 454058 (VCV000454058.1), dbSNP rs1554204952, ClinGen allele CA362316494.